The following is an entry in ClinVar:

NM_006545.5(NPRL2):c.779T>C (p.Leu260Pro)

Gene: NPRL2 (NPR2 like, GATOR1 complex subunit; minus strand). Cytogenetic location: 3p21.31.
Variant type: single nucleotide variant.
Coding change: c.779T>C on transcript NM_006545.5 (MANE Select); coding-DNA position 779, T replaced by C.
Protein change: p.Leu260Pro; replaces leucine 260 with proline.
Molecular consequence: missense variant.
Genome position (GRCh38, 1-based): chr3:50,348,352, A>G on the plus strand (T>C on the coding strand, the complement: NPRL2 is on the minus strand). VCF-style: chr3-50348352-A-G. GRCh37 (hg19) VCF-style: chr3-50385783-A-G.
Other names: short protein forms L260P.
Identifiers: ClinVar variation 4532605 (VCV004532605.1).
Genomic context (GRCh38, chr3:50,348,352, plus strand): 5'-GGCTTCCCCCAGAACCCACCACTACCTTGCTTGGTCACGTAGGATAGACATGCCTCTTGC[A>G]GGGACTTGTCATCTACCAGGTCCTGGACCTTGGGCGTTGGGCAGTATACATTGGAGTACT-3'
Protein context (NP_006536.3, residues 250-270): KVQDLVDDKS[Leu260Pro]QEACLSYVTK

ClinVar aggregate classification (germline): Uncertain significance (1 of 4 stars; one submission).

Submission:

GeneDx
Classification: Uncertain significance. Last evaluated: 2025-05-27. Review status: criteria provided, single submitter. Criteria: GeneDx Variant Classification Process June 2021. Collection method: clinical testing. Allele origin: germline. Affected: yes.
Comment: Not observed at significant frequency in large population cohorts (gnomAD); In silico analysis supports that this missense variant has a deleterious effect on protein structure/function; Has not been previously published as pathogenic or benign to our knowledge